The following is an entry in ClinVar:

NM_001042545.2(LTBP4):c.991+6C>A

Gene: LTBP4 (latent transforming growth factor beta binding protein 4; plus strand). Cytogenetic location: 19q13.2.
Variant type: single nucleotide variant.
Coding change: c.991+6C>A on transcript NM_001042545.2 (MANE Select); 6 bases into the intron after coding-DNA position 991, C replaced by A.
Molecular consequence: intron variant.
Genome position (GRCh38, 1-based): chr19:40,606,532, C>A. VCF-style: chr19-40606532-C-A. GRCh37 (hg19) VCF-style: chr19-41112438-C-A.
Other names: c.1081+6C>A (NM_003573.2); c.1192+6C>A (NM_001042544.1).
Identifiers: ClinVar variation 1437600 (VCV001437600.3), dbSNP rs538708092, ClinGen allele CA9448159.

ClinVar aggregate classification (germline): Uncertain significance (1 of 4 stars; one submission).

Allele frequency attached by ClinVar (database versions not stated): gnomAD 0.00001; TOPMed 0.00001; gnomAD exomes 0.00002; ExAC 0.00005; 1000 Genomes Project 0.00040; 1000 Genomes Project 30x 0.00047.
gnomAD v4.1: 13 of 1,561,788 alleles (0.00083%); highest among the groups gnomAD compares: Admixed American, 0.023%; no homozygotes.

Submission:

Labcorp Genetics (formerly Invitae), Labcorp
Classification: Uncertain significance. Last evaluated: 2022-08-15. Review status: criteria provided, single submitter. Criteria: Invitae Variant Classification Sherloc (09022015). Collection method: clinical testing. Allele origin: germline.
Comment: This sequence change falls in intron 9 of the LTBP4 gene. It does not directly change the encoded amino acid sequence of the LTBP4 protein. It affects a nucleotide within the consensus splice site. The frequency data for this variant in the population databases is considered unreliable, as metrics indicate poor data quality at this position in the gnomAD database. This variant has not been reported in the literature in individuals affected with LTBP4-related conditions. ClinVar contains an entry for this variant (Variation ID: 1437600). Variants that disrupt the consensus splice site are a relatively common cause of aberrant splicing (PMID: 17576681, 9536098). Algorithms developed to predict the effect of sequence changes on RNA splicing suggest that this variant may disrupt the consensus splice site. In summary, the available evidence is currently insufficient to determine the role of this variant in disease. Therefore, it has been classified as a Variant of Uncertain Significance.

Literature cited by the submitters: PubMed 17576681; PubMed 9536098.